The following is an entry in ClinVar:

NM_024334.3(TMEM43):c.1117C>A (p.Pro373Thr)

Gene: TMEM43 (transmembrane protein 43; plus strand). Cytogenetic location: 3p25.1.
Variant type: single nucleotide variant.
Coding change: c.1117C>A on transcript NM_024334.3 (MANE Select); coding-DNA position 1117, C replaced by A.
Protein change: p.Pro373Thr; replaces proline 373 with threonine.
Molecular consequence: missense variant.
Genome position (GRCh38, 1-based): chr3:14,141,709, C>A. VCF-style: chr3-14141709-C-A. GRCh37 (hg19) VCF-style: chr3-14183209-C-A.
Other names: c.1117C>A (NM_024334.2); short protein forms P373T.
Identifiers: ClinVar variation 1450536 (VCV001450536.9), dbSNP rs770871762, ClinGen allele CA051271.
Genomic context (GRCh38, chr3:14,141,709, plus strand): 5'-TTCTGTGTGGCCACCTCGCTGACCCTGCTGACCGTGGCGGCTGGCTGGCTCTTCTACCGA[C>A]CCCTGTGGGCCCTCCTCATTGCCGGCCTGGCCCTTGTGCCCATCCTTGTTGCTCGGACAC-3'
Protein context (NP_077310.1, residues 363-383): TVAAGWLFYR[Pro373Thr]LWALLIAGLA

ClinVar aggregate classification (germline): Uncertain significance. Review status: criteria provided, multiple submitters, no conflicts (2 of 4 stars). 2 submissions from 2 submitters: Uncertain significance (2). Last evaluated 2026-04-07.

Conditions:
Arrhythmogenic right ventricular dysplasia 5. Also called: Arrhythmogenic Right Ventricular Dysplasia/Cardiomyopathy 5; ARRHYTHMOGENIC RIGHT VENTRICULAR DYSPLASIA, FAMILIAL, 5. Identifiers: MedGen C1858379, MONDO:0011459, OMIM 604400.

Allele frequency attached by ClinVar (database versions not stated): gnomAD exomes below 0.00001 and 0.00001; ExAC 0.00001.
gnomAD v4.1: 3 of 1,614,180 alleles (0.00019%); highest among the groups gnomAD compares: East Asian, 0.0022%; no homozygotes.

Submissions (2):

GeneDx
Classification: Uncertain significance. Last evaluated: 2026-04-07. Review status: criteria provided, single submitter. Criteria: GeneDx Variant Classification Process June 2021. Collection method: clinical testing. Allele origin: germline.
Comment: Not observed at significant frequency in large population cohorts (gnomAD); In silico analysis supports that this missense variant has a deleterious effect on protein structure/function; Has not been previously published as pathogenic or benign to our knowledge

Labcorp Genetics (formerly Invitae), Labcorp
Classification: Uncertain significance for Arrhythmogenic right ventricular dysplasia 5. Last evaluated: 2023-08-11. Review status: criteria provided, single submitter. Criteria: Invitae Variant Classification Sherloc (09022015). Collection method: clinical testing. Allele origin: germline.
Comment: This variant is present in population databases (rs770871762, gnomAD 0.003%). This variant has not been reported in the literature in individuals affected with TMEM43-related conditions. ClinVar contains an entry for this variant (Variation ID: 1450536). Advanced modeling of protein sequence and biophysical properties (such as structural, functional, and spatial information, amino acid conservation, physicochemical variation, residue mobility, and thermodynamic stability) performed at Invitae indicates that this missense variant is expected to disrupt TMEM43 protein function. In summary, the available evidence is currently insufficient to determine the role of this variant in disease. Therefore, it has been classified as a Variant of Uncertain Significance. This sequence change replaces proline, which is neutral and non-polar, with threonine, which is neutral and polar, at codon 373 of the TMEM43 protein (p.Pro373Thr).